The following is an entry in ClinVar:

NM_003482.4(KMT2D):c.10003C>T (p.Pro3335Ser)

Gene: KMT2D (lysine methyltransferase 2D; minus strand). Cytogenetic location: 12q13.12.
Variant type: single nucleotide variant.
Coding change: c.10003C>T on transcript NM_003482.4 (MANE Select); coding-DNA position 10003, C replaced by T.
Protein change: p.Pro3335Ser; replaces proline 3335 with serine.
Molecular consequence: missense variant.
Genome position (GRCh38, 1-based): chr12:49,037,353, G>A on the plus strand (C>T on the coding strand, the complement: KMT2D is on the minus strand). VCF-style: chr12-49037353-G-A. GRCh37 (hg19) VCF-style: chr12-49431136-G-A.
Other names: short protein forms P3335S.
Identifiers: ClinVar variation 4764108 (VCV004764108.1).
Genomic context (GRCh38, chr12:49,037,353, plus strand): 5'-GCCCTTGATTGGACACCATAGCCATGGATGGAGCCAGGCGTTGCTGGAGGGCATGAGCTG[G>A]TGGCTGGGTGGGCATCAGTGGCTGGGGCAAACCTGGCTGTCGGGCACCTGCAAGACCCAG-3'
Protein context (NP_003473.3, residues 3325-3345): LPQPLMPTQP[Pro3335Ser]AHALQQRLAP

ClinVar aggregate classification (germline): Uncertain significance (1 of 4 stars; one submission).

Conditions:
Kabuki syndrome. Also called: NIIKAWA-KUROKI SYNDROME; Kabuki make-up syndrome. Identifiers: Orphanet 2322, MedGen C0796004, MONDO:0016512.

gnomAD v4.1: 1 of 1,611,548 alleles (0.000062%); no homozygotes.

Submission:

Labcorp Genetics (formerly Invitae), Labcorp
Classification: Uncertain significance for Kabuki syndrome. Last evaluated: 2025-07-27. Review status: criteria provided, single submitter. Criteria: Invitae Variant Classification Sherloc (09022015). Collection method: clinical testing. Allele origin: germline.
Comment: This sequence change replaces proline, which is neutral and non-polar, with serine, which is neutral and polar, at codon 3335 of the KMT2D protein (p.Pro3335Ser). This variant is not present in population databases (gnomAD no frequency). This variant has not been reported in the literature in individuals affected with KMT2D-related conditions. Invitae Evidence Modeling of protein sequence and biophysical properties (such as structural, functional, and spatial information, amino acid conservation, physicochemical variation, residue mobility, and thermodynamic stability) indicates that this missense variant is not expected to disrupt KMT2D protein function with a negative predictive value of 95%. In summary, the available evidence is currently insufficient to determine the role of this variant in disease. Therefore, it has been classified as a Variant of Uncertain Significance.